The following is an entry in ClinVar:

ClinVar aggregate classification (germline): Likely pathogenic (1 of 4 stars; one submission).

Conditions:
Autosomal dominant DSPP-related disorders.

Submission:

Variantyx, Inc.
Classification: Likely pathogenic for Autosomal dominant DSPP-related disorders. Last evaluated: 2025-08-15. Review status: criteria provided, single submitter. Criteria: Variantyx Assertion Criteria 2022. Collection method: clinical testing. Allele origin: germline. Inheritance: Autosomal dominant inheritance. Affected: yes.
Comment: This is a frameshift variant in the DSPP gene (OMIM: 125485). Pathogenic variants in this gene have been associated with autosomal dominant DSPP-related disorders. This variant is located in exon 5 out of 5, and is predicted to result in an extended abnormal C-terminus protein sequence (PMID: 18456718, 22521702, 19029076, 20949630) (PM4). Multiple frameshift variants in exon 5 of the DSSP gene have been reported in affected individuals (PMID: 20949630, 35627243) (PM1). The clinical symptoms reported for this individual are highly specific for autosomal dominant DSPP-related disorder, which has a limited genetic etiology (PMID: 25118030) (PP4). This variant has a 0.0005% maximum allele frequency in non-founder control populations (PM2) and has not been reported in individuals with DSPP-related disorders in the databases available for review. Based on the current evidence, this variant is classified as likely pathogenic for autosomal dominant DSPP-related disorders.

Literature cited by the submitters: PubMed 20949630; PubMed 25118030.

NM_014208.3(DSPP):c.2812del (p.Ser938fs)

Genes: DMP1-AS1 (DMP1 and DSPP antisense RNA 1; minus strand), DSPP (dentin sialophosphoprotein; plus strand). Cytogenetic location: 4q22.1.
Variant type: Deletion.
Coding change: c.2812del on transcript NM_014208.3 (MANE Select); coding-DNA position 2812, one base deleted (A; older notation c.2812delA).
Protein change: p.Ser938fs; shifts the reading frame from serine 938.
Molecular consequence: frameshift variant.
Genome position (GRCh38, 1-based): chr4:87,615,474, A deleted. VCF-style (leftmost placement, unchanged base first): chr4-87615473-CA-C. GRCh37 (hg19) VCF-style: chr4-88536625-CA-C.
Other names: short protein forms S938fs.
Identifiers: ClinVar variation 4813741 (VCV004813741.1).